The following is an entry in ClinVar:

NM_004608.4(TBX6):c.1184G>A (p.Gly395Asp)

Gene: TBX6 (T-box transcription factor 6; minus strand). Cytogenetic location: 16p11.2.
Variant type: single nucleotide variant.
Coding change: c.1184G>A on transcript NM_004608.4 (MANE Select); coding-DNA position 1184, G replaced by A.
Protein change: p.Gly395Asp; replaces glycine 395 with aspartic acid.
Molecular consequence: missense variant.
Genome position (GRCh38, 1-based): chr16:30,086,352, C>T on the plus strand (G>A on the coding strand, the complement: TBX6 is on the minus strand). VCF-style: chr16-30086352-C-T. GRCh37 (hg19) VCF-style: chr16-30097673-C-T.
Other names: short protein forms G395D.
Identifiers: ClinVar variation 694411 (VCV000694411.7), dbSNP rs1596847759, ClinGen allele CA395512685.
Genomic context (GRCh38, chr16:30,086,352, plus strand): 5'-CCCCCTTGGAGAAAGTGCGGGGCAAAGGGTACCGCCGGTGGAGCCGCTGGGTACCCGGAG[C>T]CCCCTGACCCGTGCGGCAGCTCCAGAAATGCAGCCGAGTAGGGGGCTGAGCGCCCGGAGT-3'
Protein context (NP_004599.2, residues 385-405): AFLELPHGSG[Gly395Asp]SGYPAAPPAV

ClinVar aggregate classification (germline): Uncertain significance. Review status: criteria provided, multiple submitters, no conflicts (2 of 4 stars). 3 submissions from 3 submitters: Uncertain significance (3). Last evaluated 2024-02-24.

Conditions:
Scoliosis. Identifiers: MedGen C0036439, MONDO:0005392, HP:0002650.

Allele frequency attached by ClinVar (database versions not stated): TOPMed 0.00001.
gnomAD v4.1: 4 of 1,586,898 alleles (0.00025%); highest among the groups gnomAD compares: Non-Finnish European, 0.00026%; no homozygotes.

Submissions (3):

Labcorp Genetics (formerly Invitae), Labcorp
Classification: Uncertain significance. Last evaluated: 2024-02-24. Review status: criteria provided, single submitter. Criteria: Invitae Variant Classification Sherloc (09022015). Collection method: clinical testing. Allele origin: germline.
Comment: This sequence change replaces glycine, which is neutral and non-polar, with aspartic acid, which is acidic and polar, at codon 395 of the TBX6 protein (p.Gly395Asp). This variant is not present in population databases (gnomAD no frequency). This missense change has been observed in individual(s) with clinical features of TBX6-related conditions (PMID: 25564734, 28054739, 31471994). ClinVar contains an entry for this variant (Variation ID: 694411). Advanced modeling of protein sequence and biophysical properties (such as structural, functional, and spatial information, amino acid conservation, physicochemical variation, residue mobility, and thermodynamic stability) performed at Invitae indicates that this missense variant is not expected to disrupt TBX6 protein function with a negative predictive value of 80%. Experimental studies have shown that this missense change does not substantially affect TBX6 function (PMID: 31015262). In summary, the available evidence is currently insufficient to determine the role of this variant in disease. Therefore, it has been classified as a Variant of Uncertain Significance.

Blueprint Genetics
Classification: Uncertain significance. Last evaluated: 2022-02-18. Review status: criteria provided, single submitter. Criteria: ACMG Guidelines, 2015. Collection method: clinical testing. Allele origin: germline.

Beijing Key Laboratory for Genetic Research of Skeletal Deformity, Peking Union Medical College Hospital
Classification: Uncertain significance for scoliosis. Last evaluated: 2019-08-01. Review status: criteria provided, single submitter. Criteria: ACMG Guidelines, 2015. Collection method: research. Allele origin: germline. Affected: yes. Observed: 1 variant allele.
Comment: This variant may contribute to congenital scoliosis development

Literature cited by the submitters: PubMed 25564734 (cited by Labcorp Genetics (formerly Invitae), Labcorp and Beijing Key Laboratory for Genetic Research of Skeletal Deformity, Peking Union Medical College Hospital); PubMed 28054739 (cited by Labcorp Genetics (formerly Invitae), Labcorp); PubMed 31471994 (cited by Labcorp Genetics (formerly Invitae), Labcorp); PubMed 31015262 (cited by Labcorp Genetics (formerly Invitae), Labcorp).